The following is an entry in ClinVar:

ClinVar aggregate classification (germline): Uncertain significance. Review status: criteria provided, multiple submitters, no conflicts (2 of 4 stars). 2 submissions from 2 submitters: Uncertain significance (2). Last evaluated 2024-06-08.

Conditions:
Vesicoureteral reflux 2 (VUR2). Identifiers: Orphanet 289365, MedGen C1970483, MONDO:0012573, OMIM 610878.

Submissions (2):

Fulgent Genetics
Classification: Uncertain significance for Vesicoureteral reflux 2. Last evaluated: 2024-06-08. Review status: criteria provided, single submitter. Criteria: ACMG Guidelines, 2015. Collection method: clinical testing. Allele origin: germline.

Labcorp Genetics (formerly Invitae), Labcorp
Classification: Uncertain significance. Last evaluated: 2022-11-09. Review status: criteria provided, single submitter. Criteria: Invitae Variant Classification Sherloc (09022015). Collection method: clinical testing. Allele origin: germline.
Comment: In summary, the available evidence is currently insufficient to determine the role of this variant in disease. Therefore, it has been classified as a Variant of Uncertain Significance. Algorithms developed to predict the effect of sequence changes on RNA splicing suggest that this variant may create or strengthen a splice site. Advanced modeling of protein sequence and biophysical properties (such as structural, functional, and spatial information, amino acid conservation, physicochemical variation, residue mobility, and thermodynamic stability) performed at Invitae indicates that this missense variant is not expected to disrupt ROBO2 protein function. This variant has not been reported in the literature in individuals affected with ROBO2-related conditions. This variant is not present in population databases (gnomAD no frequency). This sequence change replaces leucine, which is neutral and non-polar, with phenylalanine, which is neutral and non-polar, at codon 228 of the ROBO2 protein (p.Leu228Phe).

NM_001395656.1(ROBO2):c.682C>T (p.Leu228Phe)

Gene: ROBO2 (roundabout guidance receptor 2; plus strand). Cytogenetic location: 3p12.3.
Variant type: single nucleotide variant.
Coding change: c.682C>T on transcript NM_001395656.1 (MANE Select); coding-DNA position 682, C replaced by T.
Protein change: p.Leu228Phe; replaces leucine 228 with phenylalanine.
Molecular consequence: missense variant. On other transcripts: 5 prime UTR variant (1).
Genome position (GRCh38, 1-based): chr3:77,493,258, C>T. VCF-style: chr3-77493258-C-T. GRCh37 (hg19) VCF-style: chr3-77542409-C-T.
Other names: c.730C>T, p.Leu244Phe (NM_001128929.3, NM_001378190.1, NM_001378191.1 and 5 more transcripts); c.682C>T, p.Leu228Phe (NM_001290039.2, NM_001290040.2, NM_001378193.1 and 3 more transcripts); c.-1237C>T (NM_001290065.2); c.751C>T, p.Leu251Phe (NM_001378192.1, NM_001378194.1, NM_001378198.1 and 5 more transcripts); short protein forms L244F, L228F, L251F.
Identifiers: ClinVar variation 2813154 (VCV002813154.4), dbSNP rs2086361656, ClinGen allele CA353575122.